The following is an entry in ClinVar:

NM_002397.5(MEF2C):c.1133C>A (p.Ser378Ter)

Gene: MEF2C (myocyte enhancer factor 2C; minus strand). Cytogenetic location: 5q14.3.
Variant type: single nucleotide variant.
Coding change: c.1133C>A on transcript NM_002397.5 (MANE Select); coding-DNA position 1133, C replaced by A.
Protein change: p.Ser378Ter; replaces serine 378 with a stop codon.
Molecular consequence: nonsense. On other transcripts: intron variant (24).
Genome position (GRCh38, 1-based): chr5:88,722,893, G>T on the plus strand (C>A on the coding strand, the complement: MEF2C is on the minus strand). VCF-style: chr5-88722893-G-T. GRCh37 (hg19) VCF-style: chr5-88018710-G-T.
Other names: c.1103C>A, p.Ser368Ter (NM_001131005.2); c.1163C>A, p.Ser388Ter (NM_001193347.1); c.965C>A, p.Ser322Ter (NM_001193348.1); c.1133C>A, p.Ser378Ter (NM_001193350.2, NM_001364329.2, NM_001364330.2 and 1 more transcripts); c.1109C>A, p.Ser370Ter (NM_001308002.3, NM_001364333.2); c.989C>A, p.Ser330Ter (NM_001364344.2); c.755C>A, p.Ser252Ter (NM_001364353.2); c.1101-64C>A (NM_001364334.2, NM_001364335.2, NM_001364337.2 and 2 more transcripts); and 10 more; short protein forms S322*, S330*, S368*, S370*, S378*, S252*, S388*.
Identifiers: ClinVar variation 4724675 (VCV004724675.1).

ClinVar aggregate classification (germline): Uncertain significance (1 of 4 stars; one submission).

Conditions:
Neurodevelopmental disorder with hypotonia, stereotypic hand movements, and impaired language. Also called: Intellectual disability, autosomal dominant 20. Identifiers: Orphanet 228384, Orphanet 664410, MedGen C3150700, MONDO:0013266, OMIM 613443.

Submission:

Labcorp Genetics (formerly Invitae), Labcorp
Classification: Uncertain significance for Neurodevelopmental disorder with hypotonia, stereotypic hand movements, and impaired language. Last evaluated: 2025-08-03. Review status: criteria provided, single submitter. Criteria: Invitae Variant Classification Sherloc (09022015). Collection method: clinical testing. Allele origin: germline.
Comment: This sequence change creates a premature translational stop signal (p.Ser378*) in the MEF2C gene. While this is not anticipated to result in nonsense mediated decay, it is expected to disrupt the last 96 amino acid(s) of the MEF2C protein. This variant is not present in population databases (gnomAD no frequency). This variant has not been reported in the literature in individuals affected with MEF2C-related conditions. Experimental studies and prediction algorithms are not available or were not evaluated, and the functional significance of this variant is currently unknown. In summary, the available evidence is currently insufficient to determine the role of this variant in disease. Therefore, it has been classified as a Variant of Uncertain Significance.